The following is an entry in ClinVar:

NM_003998.4(NFKB1):c.508C>T (p.Leu170Phe)

Gene: NFKB1 (nuclear factor kappa B subunit 1; plus strand). Cytogenetic location: 4q24.
Variant type: single nucleotide variant.
Coding change: c.508C>T on transcript NM_003998.4 (MANE Select); coding-DNA position 508, C replaced by T.
Protein change: p.Leu170Phe; replaces leucine 170 with phenylalanine.
Molecular consequence: missense variant.
Genome position (GRCh38, 1-based): chr4:102,576,976, C>T. VCF-style: chr4-102576976-C-T. GRCh37 (hg19) VCF-style: chr4-103498133-C-T.
Other names: c.505C>T, p.Leu169Phe (NM_001165412.2, NM_001319226.2, NM_001382627.1); c.508C>T, p.Leu170Phe (NM_001382625.1, NM_001382626.1); c.466C>T, p.Leu156Phe (NM_001382628.1); short protein forms L170F, L156F, L169F.
Identifiers: ClinVar variation 2958810 (VCV002958810.3), dbSNP rs945312107, ClinGen allele CA103128507.

ClinVar aggregate classification (germline): Uncertain significance (1 of 4 stars; one submission).

Allele frequency attached by ClinVar (database versions not stated): TOPMed 0.00001.
gnomAD v4.1: 3 of 1,613,896 alleles (0.00019%); highest among the groups gnomAD compares: African/African-American, 0.0013%; no homozygotes.

Submission:

Labcorp Genetics (formerly Invitae), Labcorp
Classification: Uncertain significance. Last evaluated: 2023-12-21. Review status: criteria provided, single submitter. Criteria: Invitae Variant Classification Sherloc (09022015). Collection method: clinical testing. Allele origin: germline.
Comment: This sequence change replaces leucine, which is neutral and non-polar, with phenylalanine, which is neutral and non-polar, at codon 170 of the NFKB1 protein (p.Leu170Phe). This variant is not present in population databases (gnomAD no frequency). This variant has not been reported in the literature in individuals affected with NFKB1-related conditions. Advanced modeling of protein sequence and biophysical properties (such as structural, functional, and spatial information, amino acid conservation, physicochemical variation, residue mobility, and thermodynamic stability) performed at Invitae indicates that this missense variant is not expected to disrupt NFKB1 protein function with a negative predictive value of 80%. In summary, the available evidence is currently insufficient to determine the role of this variant in disease. Therefore, it has been classified as a Variant of Uncertain Significance.